The following is an entry in ClinVar:

ClinVar aggregate classification (germline): Pathogenic (1 of 4 stars; one submission).

Conditions:
Long QT syndrome (LQTS). Identifiers: MedGen C0023976, MeSH D008133, MONDO:0002442. Disease mechanism: loss of function. Inheritance: Various modes of inheritance.

Submission:

Labcorp Genetics (formerly Invitae), Labcorp
Classification: Pathogenic for Long QT syndrome. Last evaluated: 2022-10-10. Review status: criteria provided, single submitter. Criteria: Invitae Variant Classification Sherloc (09022015). Collection method: clinical testing. Allele origin: germline.
Comment: This variant is not present in population databases (gnomAD no frequency). For these reasons, this variant has been classified as Pathogenic. This variant has not been reported in the literature in individuals affected with KCNQ1-related conditions. This sequence change creates a premature translational stop signal (p.Asp428Argfs*35) in the KCNQ1 gene. It is expected to result in an absent or disrupted protein product. Loss-of-function variants in KCNQ1 are known to be pathogenic (PMID: 9323054, 19862833).

Literature cited by the submitters: PubMed 9323054; PubMed 19862833.

NM_000218.3(KCNQ1):c.1281dup (p.Asp428fs)

Gene: KCNQ1 (potassium voltage-gated channel subfamily Q member 1; plus strand). Cytogenetic location: 11p15.5.
Variant type: Duplication.
Coding change: c.1281dup on transcript NM_000218.3 (MANE Select); coding-DNA position 1281, one base duplicated (A; older notation c.1281dupA).
Protein change: p.Asp428fs; shifts the reading frame from aspartic acid 428.
Molecular consequence: frameshift variant.
Genome position (GRCh38, 1-based): chr11:2,588,742, A duplicated; the last of 3 consecutive A bases (chr11:2,588,740-2,588,742); duplicating any one gives the same sequence. VCF-style (leftmost placement, unchanged base first): chr11-2588739-C-CA. GRCh37 (hg19) VCF-style: chr11-2609969-C-CA.
Other names: c.1185dup, p.Asp396Argfs (NM_001406836.1); c.1011dup, p.Asp338Argfs (NM_001406837.1); c.741dup, p.Asp248Argfs (NM_001406838.1); c.900dup, p.Asp301Argfs (NM_181798.2); short protein forms D428fs, D301fs.
Identifiers: ClinVar variation 2028871 (VCV002028871.4), dbSNP rs2493708307, ClinGen allele CA2580082630.